The following is an entry in ClinVar:

NM_016277.5(RAB23):c.670A>T (p.Thr224Ser)

Gene: RAB23 (RAB23, member RAS oncogene family; minus strand). Cytogenetic location: 6p12.1.
Variant type: single nucleotide variant.
Coding change: c.670A>T on transcript NM_016277.5 (MANE Select); coding-DNA position 670, A replaced by T.
Protein change: p.Thr224Ser; replaces threonine 224 with serine.
Molecular consequence: missense variant. On other transcripts: non-coding transcript variant (1).
Genome position (GRCh38, 1-based): chr6:57,190,505, T>A on the plus strand (A>T on the coding strand, the complement: RAB23 is on the minus strand). VCF-style: chr6-57190505-T-A. GRCh37 (hg19) VCF-style: chr6-57055303-T-A.
Other names: c.670A>T, p.Thr224Ser (NM_001278666.2, NM_001278667.2, NM_001278668.2 and 1 more transcripts); short protein forms T224S.
Identifiers: ClinVar variation 910397 (VCV000910397.8), dbSNP rs748638791, ClinGen allele CA3873733.

ClinVar aggregate classification (germline): Uncertain significance. Review status: criteria provided, multiple submitters, no conflicts (2 of 4 stars). 4 submissions from 4 submitters: Uncertain significance (3). 1 of the submissions does not count toward it. Last evaluated 2021-09-24.

Conditions:
RAB23-related Carpenter syndrome. Also called: ACPS II; Carpenter syndrome 1. Identifiers: Orphanet 65759, MedGen C4551510, MONDO:0008710, OMIM 201000.
RAB23-related disorder. Also called: RAB23-related condition.
Carpenter syndrome. Identifiers: Orphanet 65759, MedGen C1275078, MONDO:0019012.

Allele frequency attached by ClinVar (database versions not stated): gnomAD exomes 0.00003; TOPMed 0.00003; ExAC 0.00001; gnomAD 0.00004.
gnomAD v4.1: 53 of 1,613,992 alleles (0.0033%); highest among the groups gnomAD compares: Non-Finnish European, 0.0043%; 1 homozygote.

Submissions (4):

Labcorp Genetics (formerly Invitae), Labcorp
Classification: Uncertain significance for Carpenter syndrome. Last evaluated: 2021-09-24. Review status: criteria provided, single submitter. Criteria: Invitae Variant Classification Sherloc (09022015). Collection method: clinical testing. Allele origin: germline.
Comment: This sequence change replaces threonine with serine at codon 224 of the RAB23 protein (p.Thr224Ser). The threonine residue is highly conserved and there is a small physicochemical difference between threonine and serine. This variant is present in population databases (rs748638791, ExAC 0.001%). This variant has not been reported in the literature in individuals with RAB23-related disease. Algorithms developed to predict the effect of missense changes on protein structure and function (SIFT, PolyPhen-2, Align-GVGD) all suggest that this variant is likely to be tolerated, but these predictions have not been confirmed by published functional studies and their clinical significance is uncertain. In summary, the available evidence is currently insufficient to determine the role of this variant in disease. Therefore, it has been classified as a Variant of Uncertain Significance.

Fulgent Genetics
Classification: Uncertain significance for RAB23-related Carpenter syndrome. Last evaluated: 2021-07-26. Review status: criteria provided, single submitter. Criteria: ACMG Guidelines, 2015. Collection method: clinical testing. Allele origin: unknown.

Illumina Laboratory Services, Illumina
Classification: Uncertain significance for RAB23-related Carpenter syndrome. Last evaluated: 2018-01-13. Review status: criteria provided, single submitter. Criteria: ICSL Variant Classification Criteria 13 December 2019. Collection method: clinical testing. Allele origin: germline.

PreventionGenetics, part of Exact Sciences
Classification: Uncertain significance for RAB23-related condition. Last evaluated: 2024-06-28. Review status: no assertion criteria provided. Collection method: clinical testing. Allele origin: germline. Not counted in ClinVar's aggregate classification.
Comment: The RAB23 c.670A>T variant is predicted to result in the amino acid substitution p.Thr224Ser. To our knowledge, this variant has not been reported in the literature. This variant is reported in 0.0062% of alleles in individuals of European (Non-Finnish) descent in gnomAD. At this time, the clinical significance of this variant is uncertain due to the absence of conclusive functional and genetic evidence.